The following is an entry in ClinVar:

NM_000454.5(SOD1):c.280G>C (p.Gly94Arg)

Gene: SOD1 (superoxide dismutase 1; plus strand). Cytogenetic location: 21q22.11.
Variant type: single nucleotide variant.
Coding change: c.280G>C on transcript NM_000454.5 (MANE Select); coding-DNA position 280, G replaced by C.
Protein change: p.Gly94Arg; replaces glycine 94 with arginine.
Molecular consequence: missense variant.
Genome position (GRCh38, 1-based): chr21:31,667,298, G>C. VCF-style: chr21-31667298-G-C. GRCh37 (hg19) VCF-style: chr21-33039611-G-C.
Other names: G93R; short protein forms G94R.
Identifiers: ClinVar variation 14784 (VCV000014784.6), dbSNP rs121912437, ClinGen allele CA257367.

ClinVar aggregate classification (germline): Pathogenic. Review status: criteria provided, multiple submitters, no conflicts (2 of 4 stars). 3 submissions from 3 submitters: Pathogenic (2). 1 of the submissions does not count toward it. Last evaluated 2024-05-20.

Conditions:
Motor neuron disease. Also called: Degenerative motor system disease; Motor neuron disorder. Identifiers: Orphanet 98503, MedGen C0085084, MONDO:0020128.
Amyotrophic lateral sclerosis type 1 (ALS1). Also called: AMYOTROPHIC LATERAL SCLEROSIS 1, FAMILIAL. Identifiers: Orphanet 803, MedGen C1862939, MONDO:0007103, OMIM 105400.

Submissions (3):

Labcorp Genetics (formerly Invitae), Labcorp
Classification: Pathogenic for Amyotrophic lateral sclerosis type 1. Last evaluated: 2024-05-20. Review status: criteria provided, single submitter. Criteria: Invitae Variant Classification Sherloc (09022015). Collection method: clinical testing. Allele origin: germline.
Comment: This sequence change replaces glycine, which is neutral and non-polar, with arginine, which is basic and polar, at codon 94 of the SOD1 protein (p.Gly94Arg). This variant is not present in population databases (gnomAD no frequency). This missense change has been observed in individual(s) with clinical features of familial amyotrophic lateral sclerosis (PMID: 8004110, 28089114). This variant is also known as p.Gly93Arg. ClinVar contains an entry for this variant (Variation ID: 14784). Advanced modeling of protein sequence and biophysical properties (such as structural, functional, and spatial information, amino acid conservation, physicochemical variation, residue mobility, and thermodynamic stability) performed at Invitae indicates that this missense variant is expected to disrupt SOD1 protein function with a positive predictive value of 95%. Experimental studies have shown that this missense change affects SOD1 function (PMID: 18951903, 19483195, 20504969, 21257910, 23264618, 23280792, 26362407). This variant disrupts the p.Gly94 amino acid residue in SOD1. Other variant(s) that disrupt this residue have been determined to be pathogenic (PMID: 9029070, 18273717, 19483195, 21120636, 24325798). This suggests that this residue is clinically significant, and that variants that disrupt this residue are likely to be disease-causing. For these reasons, this variant has been classified as Pathogenic.

Centre for Genomic and Experimental Medicine, University of Edinburgh
Classification: Pathogenic for Motor neuron disease. Last evaluated: 2016-08-31. Review status: criteria provided, single submitter. Criteria: Submitter's publication. Collection method: case-control. Allele origin: unknown. Affected: yes. Observed: 1 heterozygote.

OMIM
Classification: Pathogenic for AMYOTROPHIC LATERAL SCLEROSIS 1. Last evaluated: 1994-02-01. Review status: no assertion criteria provided. Collection method: literature only. Allele origin: germline. Not counted in ClinVar's aggregate classification.

Literature cited by the submitters: PubMed 8004110 (cited by Labcorp Genetics (formerly Invitae), Labcorp and OMIM); PubMed 28089114 (cited by Labcorp Genetics (formerly Invitae), Labcorp and Centre for Genomic and Experimental Medicine, University of Edinburgh); PubMed 18951903 (cited by Labcorp Genetics (formerly Invitae), Labcorp); PubMed 19483195 (cited by Labcorp Genetics (formerly Invitae), Labcorp); PubMed 20504969 (cited by Labcorp Genetics (formerly Invitae), Labcorp); PubMed 21257910 (cited by Labcorp Genetics (formerly Invitae), Labcorp); PubMed 23264618 (cited by Labcorp Genetics (formerly Invitae), Labcorp); PubMed 23280792 (cited by Labcorp Genetics (formerly Invitae), Labcorp); PubMed 26362407 (cited by Labcorp Genetics (formerly Invitae), Labcorp); PubMed 9029070 (cited by Labcorp Genetics (formerly Invitae), Labcorp); PubMed 18273717 (cited by Labcorp Genetics (formerly Invitae), Labcorp); PubMed 21120636 (cited by Labcorp Genetics (formerly Invitae), Labcorp); PubMed 24325798 (cited by Labcorp Genetics (formerly Invitae), Labcorp).